The following is an entry in ClinVar:

NM_006031.6(PCNT):c.2950G>T (p.Glu984Ter)

Gene: PCNT (pericentrin; plus strand). Cytogenetic location: 21q22.3.
Variant type: single nucleotide variant.
Coding change: c.2950G>T on transcript NM_006031.6 (MANE Select); coding-DNA position 2950, G replaced by T.
Protein change: p.Glu984Ter; replaces glutamic acid 984 with a stop codon.
Molecular consequence: nonsense.
Genome position (GRCh38, 1-based): chr21:46,366,924, G>T. VCF-style: chr21-46366924-G-T. GRCh37 (hg19) VCF-style: chr21-47786839-G-T.
Other names: c.2596G>T, p.Glu866Ter (NM_001315529.2); short protein forms E866*, E984*.
Identifiers: ClinVar variation 2863916 (VCV002863916.3), dbSNP rs2518263563, ClinGen allele CA410569685.
Genomic context (GRCh38, chr21:46,366,924, plus strand): 5'-CATCTGTCCAGCCTTGATTCTTTGGAATCCTGTTACCTCTCTGAATTTCAGACCATCCGT[G>T]AGGAGCACAGGCAGGCCCTAGAGCTCTTACGAGCAGACTTTGAGGAACAACTGTGGAAAA-3'

ClinVar aggregate classification (germline): Pathogenic (1 of 4 stars; one submission).

Submission:

Labcorp Genetics (formerly Invitae), Labcorp
Classification: Pathogenic. Last evaluated: 2023-05-13. Review status: criteria provided, single submitter. Criteria: Invitae Variant Classification Sherloc (09022015). Collection method: clinical testing. Allele origin: germline.
Comment: This sequence change creates a premature translational stop signal (p.Glu984*) in the PCNT gene. It is expected to result in an absent or disrupted protein product. Loss-of-function variants in PCNT are known to be pathogenic (PMID: 18174396, 22821869). This variant is not present in population databases (gnomAD no frequency). This variant has not been reported in the literature in individuals affected with PCNT-related conditions. For these reasons, this variant has been classified as Pathogenic.

Literature cited by the submitters: PubMed 18174396; PubMed 22821869.